The following is an entry in ClinVar:

NM_007294.4(BRCA1):c.2248C>A (p.Leu750Ile)

Gene: BRCA1 (BRCA1 DNA repair associated; minus strand). Cytogenetic location: 17q21.31.
Variant type: single nucleotide variant.
Coding change: c.2248C>A on transcript NM_007294.4 (MANE Select); coding-DNA position 2248, C replaced by A.
Protein change: p.Leu750Ile; replaces leucine 750 with isoleucine.
Molecular consequence: missense variant. On other transcripts: intron variant (137).
Genome position (GRCh38, 1-based): chr17:43,093,283, G>T on the plus strand (C>A on the coding strand, the complement: BRCA1 is on the minus strand). VCF-style: chr17-43093283-G-T. GRCh37 (hg19) VCF-style: chr17-41245300-G-T.
Other names: c.2104C>A, p.Leu702Ile (NM_001407748.1, NM_001407749.1, NM_001407838.1 and 20 more transcripts); c.2107C>A, p.Leu703Ile (NM_001407750.1, NM_001407751.1, NM_001407752.1 and 29 more transcripts); c.2245C>A, p.Leu749Ile (NM_001407860.1, NM_001407861.1, NM_001407587.1 and 22 more transcripts); c.2047C>A, p.Leu683Ile (NM_001407862.1); c.2125C>A, p.Leu709Ile (NM_001407863.1, NM_001407919.1, NM_001407937.1 and 19 more transcripts); c.2044C>A, p.Leu682Ile (NM_001407874.1, NM_001407875.1); c.2038C>A, p.Leu680Ile (NM_001407879.1, NM_001407881.1, NM_001407882.1 and 13 more transcripts); c.2035C>A, p.Leu679Ile (NM_001407853.1, NM_001407894.1, NM_001407895.1 and 9 more transcripts); and 41 more; short protein forms L703I, L750I, L582I, L639I, L662I, L683I, L623I, L661I.
Identifiers: ClinVar variation 993135 (VCV000993135.6), dbSNP rs2053794986, ClinGen allele CA10597506.

ClinVar aggregate classification (germline): Conflicting classifications of pathogenicity. Review status: criteria provided, conflicting classifications (1 of 4 stars). 3 submissions from 3 submitters: Uncertain significance (2); Likely benign (1). Last evaluated 2023-03-23.

Conditions:
Hereditary cancer-predisposing syndrome. Also called: Neoplastic Syndromes, Hereditary; Hereditary Cancer Syndrome; Tumor predisposition; Hereditary neoplastic syndrome. Identifiers: Orphanet 140162, MedGen C0027672, MeSH D009386, MONDO:0015356.

Submissions (3):

University of Washington Department of Laboratory Medicine, University of Washington
Classification: Likely benign for Hereditary cancer-predisposing syndrome. Last evaluated: 2023-03-23. Review status: criteria provided, single submitter. Criteria: Dines et al. (Genet Med. 2020). Collection method: curation. Allele origin: germline.
Comment: Missense variant in a coldspot region where missense variants are very unlikely to be pathogenic (PMID:31911673).

BRCA1 coldspot (exon 11 using historical exon numbering). Reclassification based on statistical prior probability

Ambry Genetics
Classification: Uncertain significance for Hereditary cancer-predisposing syndrome. Last evaluated: 2020-07-21. Review status: criteria provided, single submitter. Criteria: Ambry Variant Classification Scheme 2023. Collection method: clinical testing. Allele origin: germline.
Comment: The p.L750I variant (also known as c.2248C>A), located in coding exon 9 of the BRCA1 gene, results from a C to A substitution at nucleotide position 2248. The leucine at codon 750 is replaced by isoleucine, an amino acid with highly similar properties. This amino acid position is not well conserved in available vertebrate species. In addition, the in silico prediction for this alteration is inconclusive. Since supporting evidence is limited at this time, the clinical significance of this alteration remains unclear.

Quest Diagnostics Nichols Institute San Juan Capistrano
Classification: Uncertain significance. Last evaluated: 2020-01-04. Review status: criteria provided, single submitter. Criteria: Quest Diagnostics criteria. Collection method: clinical testing. Allele origin: unknown.